The following is an entry in ClinVar:

NM_006118.4(HAX1):c.368A>G (p.Gln123Arg)

Gene: HAX1 (HCLS1 associated protein X-1; plus strand). Cytogenetic location: 1q21.3.
Variant type: single nucleotide variant.
Coding change: c.368A>G on transcript NM_006118.4 (MANE Select); coding-DNA position 368, A replaced by G.
Protein change: p.Gln123Arg; replaces glutamine 123 with arginine.
Molecular consequence: missense variant.
Genome position (GRCh38, 1-based): chr1:154,273,825, A>G. VCF-style: chr1-154273825-A-G. GRCh37 (hg19) VCF-style: chr1-154246301-A-G.
Other names: c.224A>G, p.Gln75Arg (NM_001018837.2); short protein forms Q75R, Q123R.
Identifiers: ClinVar variation 4621334 (VCV004621334.1).

ClinVar aggregate classification (germline): Uncertain significance (1 of 4 stars; one submission).

Conditions:
Inborn genetic diseases. Identifiers: MedGen C0950123, MeSH D030342.

Submission:

Ambry Genetics
Classification: Uncertain significance for Inborn genetic diseases. Last evaluated: 2025-10-14. Review status: criteria provided, single submitter. Criteria: Ambry Variant Classification Scheme 2023. Collection method: clinical testing. Allele origin: germline.
Comment: The p.Q123R variant (also known as c.368A>G), located in coding exon 3 of the HAX1 gene, results from an A to G substitution at nucleotide position 368. The glutamine at codon 123 is replaced by arginine, an amino acid with highly similar properties. This amino acid position is conserved. In addition, this alteration is predicted to be tolerated by in silico analysis. Based on the available evidence, the clinical significance of this variant remains unclear.